The following is an entry in ClinVar:

ClinVar aggregate classification (germline): Pathogenic/Likely pathogenic. Review status: criteria provided, multiple submitters, no conflicts (2 of 4 stars). 5 submissions from 5 submitters: Pathogenic (1); Likely pathogenic (1). 3 of the submissions do not count toward it. Last evaluated 2025-12-11.

Conditions:
Mucopolysaccharidosis, MPS-III-C (MPS3C). Also called: mucopolysaccharidosis type 3C; MPS III C; Mucopolysaccharidosis type IIIC (Sanfilippo C); MUCOPOLYSACCHARIDOSIS, TYPE IIIC; SANFILIPPO SYNDROME C; MPS IIIC (Sanfilippo Syndrome Type C). Identifiers: Orphanet 581, Orphanet 79271, MedGen C0086649, MONDO:0009657, OMIM 252930.
Retinitis pigmentosa 73 (RP73). Identifiers: Orphanet 791, MedGen C4225287, MONDO:0014687, OMIM 616544.

Allele frequency attached by ClinVar (database versions not stated): gnomAD exomes below 0.00001; gnomAD 0.00001.
gnomAD v4.1: 3 of 1,612,138 alleles (0.00019%); highest among the groups gnomAD compares: Non-Finnish European, 0.00025%; no homozygotes.

Submissions (5):

Myriad Genetics, Inc.
Classification: Likely pathogenic for Mucopolysaccharidosis, MPS-III-C. Last evaluated: 2025-12-11. Review status: criteria provided, single submitter. Criteria: Myriad Autosomal Dominant, Autosomal Recessive and X-Linked Classification Criteria (2023). Collection method: clinical testing. Allele origin: unknown.
Comment: NM_152419.2(HGSNAT):c.1553C>T(S518F) is a missense variant classified as likely pathogenic in the context of mucopolysaccharidosis type IIIC. S518F has been observed in cases with relevant disease (PMID: 18024218, 17397050). Relevant functional assessments of this variant are available in the literature (PMID: 19823584, 20583299, 20825431). S518F has been observed in referenced population frequency databases. In summary, NM_152419.2(HGSNAT):c.1553C>T(S518F) is a missense variant that has functional support for pathogenicity and has been observed more frequently in cases with the relevant disease than in healthy populations. Please note: this variant was assessed in the context of healthy population screening.

Labcorp Genetics (formerly Invitae), Labcorp
Classification: Pathogenic for Retinitis pigmentosa 73; Mucopolysaccharidosis, MPS-III-C. Last evaluated: 2025-03-17. Review status: criteria provided, single submitter. Criteria: Invitae Variant Classification Sherloc (09022015). Collection method: clinical testing. Allele origin: germline.
Comment: This sequence change replaces serine, which is neutral and polar, with phenylalanine, which is neutral and non-polar, at codon 518 of the HGSNAT protein (p.Ser518Phe). This variant is present in population databases (rs121908286, gnomAD 0.002%). This missense change has been observed in individual(s) with mucopolysaccharidosis type III (PMID: 17397050, 18024218). ClinVar contains an entry for this variant (Variation ID: 1238). Invitae Evidence Modeling of protein sequence and biophysical properties (such as structural, functional, and spatial information, amino acid conservation, physicochemical variation, residue mobility, and thermodynamic stability) has been performed for this missense variant. However, the output from this modeling did not meet the statistical confidence thresholds required to predict the impact of this variant on HGSNAT protein function. Experimental studies have shown that this missense change affects HGSNAT function (PMID: 19823584). For these reasons, this variant has been classified as Pathogenic.

OMIM
Classification: Pathogenic for MUCOPOLYSACCHARIDOSIS, TYPE IIIC. Last evaluated: 2011-10-01. Review status: no assertion criteria provided. Collection method: literature only. Allele origin: germline. Not counted in ClinVar's aggregate classification.

Clinical Genetics DNA and cytogenetics Diagnostics Lab, Erasmus MC, Erasmus Medical Center
Classification: Pathogenic. Review status: no assertion criteria provided. Collection method: clinical testing. Allele origin: germline. Affected: yes. Study: VKGL Data-share Consensus. Not counted in ClinVar's aggregate classification.

Joint Genome Diagnostic Labs from Nijmegen and Maastricht, Radboudumc and MUMC+
Classification: Likely pathogenic. Review status: no assertion criteria provided. Collection method: clinical testing. Allele origin: germline. Affected: yes. Study: VKGL Data-share Consensus. Not counted in ClinVar's aggregate classification.

Literature cited by the submitters: PubMed 17397050 (cited by Myriad Genetics, Inc. and Labcorp Genetics (formerly Invitae), Labcorp); PubMed 18024218 (cited by 3 submitters); PubMed 19823584 (cited by Myriad Genetics, Inc. and Labcorp Genetics (formerly Invitae), Labcorp); PubMed 20583299 (cited by Myriad Genetics, Inc.); PubMed 20825431 (cited by Myriad Genetics, Inc. and OMIM); PubMed 19479962 (cited by OMIM).

NM_152419.3(HGSNAT):c.1553C>T (p.Ser518Phe)

Gene: HGSNAT (heparan-alpha-glucosaminide N-acetyltransferase; plus strand). Cytogenetic location: 8p11.21.
Variant type: single nucleotide variant.
Coding change: c.1553C>T on transcript NM_152419.3 (MANE Select); coding-DNA position 1553, C replaced by T.
Protein change: p.Ser518Phe; replaces serine 518 with phenylalanine.
Molecular consequence: missense variant.
Genome position (GRCh38, 1-based): chr8:43,197,682, C>T. VCF-style: chr8-43197682-C-T. GRCh37 (hg19) VCF-style: chr8-43052825-C-T.
Other names: c.1640C>T, p.Ser547Phe (NM_001363227.2); c.1361C>T, p.Ser454Phe (NM_001363228.2); c.689C>T, p.Ser230Phe (NM_001363229.2); short protein forms S518F, S230F, S454F, S547F.
Identifiers: ClinVar variation 1238 (VCV000001238.12), dbSNP rs121908286, ClinGen allele CA114873.
Genomic context (GRCh38, chr8:43,197,682, plus strand): 5'-TTCTGAGATAATAATATAAAATGTTAACATCCTTCTCTTCCCCATTACAGGGGCTCATTT[C>T]TGTTGCTCTGACGAAGGTTTCTGAAAATGAAGGCTTTATTCCAGTAAACAAAAATCTCTG-3'
Protein context (NP_689632.2, residues 508-528): TAWCCILGLI[Ser518Phe]VALTKVSENE